The following is an entry in ClinVar:

NM_138459.5(NUS1):c.299A>C (p.His100Pro)

Gene: NUS1 (NUS1 dehydrodolichyl diphosphate synthase subunit; plus strand). Cytogenetic location: 6q22.1.
Variant type: single nucleotide variant.
Coding change: c.299A>C on transcript NM_138459.5 (MANE Select); coding-DNA position 299, A replaced by C.
Protein change: p.His100Pro; replaces histidine 100 with proline.
Molecular consequence: missense variant.
Genome position (GRCh38, 1-based): chr6:117,675,969, A>C. VCF-style: chr6-117675969-A-C. GRCh37 (hg19) VCF-style: chr6-117997132-A-C.
Other names: short protein forms H100P.
Identifiers: ClinVar variation 2131144 (VCV002131144.4), dbSNP rs1772972548, ClinGen allele CA365536310.

ClinVar aggregate classification (germline): Uncertain significance (1 of 4 stars; one submission).

Conditions:
Congenital disorder of glycosylation, type Iaa. Also called: Congenital disorder of glycosylation, type 1aa. Identifiers: MedGen C4310727, MONDO:0014904, OMIM 617082.

Submission:

Labcorp Genetics (formerly Invitae), Labcorp
Classification: Uncertain significance for Congenital disorder of glycosylation, type Iaa. Last evaluated: 2024-12-16. Review status: criteria provided, single submitter. Criteria: Invitae Variant Classification Sherloc (09022015). Collection method: clinical testing. Allele origin: germline.
Comment: This sequence change replaces histidine, which is basic and polar, with proline, which is neutral and non-polar, at codon 100 of the NUS1 protein (p.His100Pro). This variant is not present in population databases (gnomAD no frequency). This variant has not been reported in the literature in individuals affected with NUS1-related conditions. ClinVar contains an entry for this variant (Variation ID: 2131144). An algorithm developed to predict the effect of missense changes on protein structure and function (PolyPhen-2) suggests that this variant is likely to be disruptive. In summary, the available evidence is currently insufficient to determine the role of this variant in disease. Therefore, it has been classified as a Variant of Uncertain Significance.